The following is an entry in ClinVar:

ClinVar aggregate classification (germline): Uncertain significance (1 of 4 stars; one submission).

Submission:

GeneDx
Classification: Uncertain significance. Last evaluated: 2023-04-11. Review status: criteria provided, single submitter. Criteria: GeneDx Variant Classification Process June 2021. Collection method: clinical testing. Allele origin: germline. Affected: yes.
Comment: Not observed at significant frequency in large population cohorts (gnomAD); In silico analysis supports that this missense variant does not alter protein structure/function; Has not been previously published as pathogenic or benign to our knowledge

NM_001348323.3(TRIP12):c.5734C>G (p.Gln1912Glu)

Gene: TRIP12 (thyroid hormone receptor interactor 12; minus strand). Cytogenetic location: 2q36.3.
Variant type: single nucleotide variant.
Coding change: c.5734C>G on transcript NM_001348323.3 (MANE Select); coding-DNA position 5734, C replaced by G.
Protein change: p.Gln1912Glu; replaces glutamine 1912 with glutamic acid.
Molecular consequence: missense variant.
Genome position (GRCh38, 1-based): chr2:229,771,593, G>C on the plus strand (C>G on the coding strand, the complement: TRIP12 is on the minus strand). VCF-style: chr2-229771593-G-C. GRCh37 (hg19) VCF-style: chr2-230636309-G-C.
Other names: c.5653C>G, p.Gln1885Glu (NM_001284214.2, NM_001348315.2); c.5608C>G, p.Gln1870Glu (NM_001284215.2, NM_001348316.2); c.4699C>G, p.Gln1567Glu (NM_001284216.2); c.5593C>G, p.Gln1865Glu (NM_001348317.1, NM_001348318.2); c.5719C>G, p.Gln1907Glu (NM_001348319.1, NM_001348320.2); c.5722C>G, p.Gln1908Glu (NM_001348321.1); c.5734C>G, p.Gln1912Glu (NM_001348322.1, NM_001348324.2, NM_001348325.2 and 2 more transcripts); c.5737C>G, p.Gln1913Glu (NM_001348328.1, NM_001348329.2, NM_001348330.2); and 4 more; short protein forms Q1567E, Q1837E, Q1838E, Q1865E, Q1870E, Q1878E, Q1885E, Q1886E.
Identifiers: ClinVar variation 3342941 (VCV003342941.1).